The following is an entry in ClinVar:

NM_001199107.2(TBC1D24):c.439G>C (p.Asp147His)

Gene: TBC1D24 (TBC1 domain family member 24; plus strand). Cytogenetic location: 16p13.3.
Variant type: single nucleotide variant.
Coding change: c.439G>C on transcript NM_001199107.2 (MANE Select); coding-DNA position 439, G replaced by C.
Protein change: p.Asp147His; replaces aspartic acid 147 with histidine.
Molecular consequence: missense variant.
Genome position (GRCh38, 1-based): chr16:2,496,587, G>C. VCF-style: chr16-2496587-G-C. GRCh37 (hg19) VCF-style: chr16-2546588-G-C.
Other names: c.439G>C, p.Asp147His (NM_020705.3); short protein forms D147H.
Identifiers: ClinVar variation 48 (VCV000000048.16), dbSNP rs267607103, ClinGen allele CA339785.

ClinVar aggregate classification (germline): Pathogenic. Review status: criteria provided, multiple submitters, no conflicts (2 of 4 stars). 5 submissions from 5 submitters: Pathogenic (3). 2 of the submissions do not count toward it. Last evaluated 2025-10-01.

Conditions:
Autosomal dominant nonsyndromic hearing loss 65. Also called: TBC1D24-Related Autosomal Dominant Nonsyndromic Hearing Loss (DFNA); Deafness, autosomal dominant 65. Identifiers: Orphanet 90635, MedGen C3892048, MONDO:0014470, OMIM 616044.
Developmental and epileptic encephalopathy, 1 (DEE1). Also called: INFANTILE SPASM SYNDROME, X-LINKED 1; OHTAHARA SYNDROME, X-LINKED; X-linked infantile spasms; West's syndrome; Tonic spasms with clustering, arrest of psychomotor development and hypsarrhythmia on EEG; X-Linked Infantile Spasm Syndrome. Identifiers: MedGen C3463992, MONDO:0010632, OMIM 308350. Disease mechanism: loss of function.
Agenesis of cerebral white matter. Also called: Cerebral white matter agenesis. Identifiers: MedGen C1859969, MONDO:0008739, OMIM 202600, HP:0200017.
Familial infantile myoclonic epilepsy (FIME). Also called: Epilepsy, Myoclonic, Infantile; TBC1D24-Related Familial Infantile Myoclonic Epilepsy (FIME). Identifiers: Orphanet 352582, MedGen C0917800, MONDO:0011506, OMIM 605021.

gnomAD v4.1: 3 of 1,609,514 alleles (0.00019%); highest among the groups gnomAD compares: Non-Finnish European, 0.00025%; no homozygotes.

Submissions (5):

CeGaT Center for Human Genetics Tuebingen
Classification: Pathogenic. Last evaluated: 2025-10-01. Review status: criteria provided, single submitter. Criteria: CeGaT Center For Human Genetics Tuebingen Variant Classification Criteria Version 2. Collection method: clinical testing. Allele origin: germline. Affected: yes. Observed: 1 variant allele.
Comment: TBC1D24: PM3:Strong, PM1, PM2, PP1:Moderate, PS3:Supporting

Labcorp Genetics (formerly Invitae), Labcorp
Classification: Pathogenic for Developmental and epileptic encephalopathy, 1; Autosomal dominant nonsyndromic hearing loss 65. Last evaluated: 2024-11-11. Review status: criteria provided, single submitter. Criteria: Invitae Variant Classification Sherloc (09022015). Collection method: clinical testing. Allele origin: germline.
Comment: This sequence change replaces aspartic acid, which is acidic and polar, with histidine, which is basic and polar, at codon 147 of the TBC1D24 protein (p.Asp147His). This variant is present in population databases (rs267607103, gnomAD 0.0009%). This missense change has been observed in individual(s) with autosomal recessive familial infantile myoclonic epilepsy (PMID: 20727515). It has also been observed to segregate with disease in related individuals. ClinVar contains an entry for this variant (Variation ID: 48). Invitae Evidence Modeling of protein sequence and biophysical properties (such as structural, functional, and spatial information, amino acid conservation, physicochemical variation, residue mobility, and thermodynamic stability) indicates that this missense variant is expected to disrupt TBC1D24 protein function with a positive predictive value of 95%. Experimental studies have shown that this missense change affects TBC1D24 function (PMID: 20727515). For these reasons, this variant has been classified as Pathogenic.

AURAGEN, Plan France Médecine Génomique
Classification: Pathogenic for Agenesis of cerebral white matter. Last evaluated: 2022-03-07. Review status: criteria provided, single submitter. Criteria: PFMG2025 (Lancet Reg Health Eur. 2025). Collection method: clinical testing. Allele origin: germline. Affected: yes.

Division of Medical Genetics; Sainte-Justine Hospital
Classification: Pathogenic for FIME. Last evaluated: 2014-12-22. Review status: no assertion criteria provided. Collection method: literature only. Allele origin: germline. Affected: yes. Not counted in ClinVar's aggregate classification.

OMIM
Classification: Pathogenic for MYOCLONIC EPILEPSY, INFANTILE, FAMILIAL. Last evaluated: 2010-09-10. Review status: no assertion criteria provided. Collection method: literature only. Allele origin: germline. Not counted in ClinVar's aggregate classification.

Literature cited by the submitters: PubMed 20727515 (cited by Labcorp Genetics (formerly Invitae), Labcorp and OMIM); PubMed 10741954 (cited by OMIM).